The following is an entry in ClinVar:

NM_178857.6(RP1L1):c.2814G>T (p.Glu938Asp)

Gene: RP1L1 (RP1 like 1). Cytogenetic location: 8p23.1.
Variant type: single nucleotide variant.
Coding change: c.2814G>T on transcript NM_178857.6 (MANE Select); coding-DNA position 2814, G replaced by T.
Protein change: p.Glu938Asp; replaces glutamic acid 938 with aspartic acid.
Molecular consequence: missense variant.
Genome position (GRCh38, 1-based): chr8:10,611,284, C>A on the plus strand (G>T on the coding strand, the complement: RP1L1 is on the minus strand). VCF-style: chr8-10611284-C-A. GRCh37 (hg19) VCF-style: chr8-10468794-C-A.
Other names: short protein forms E938D.
Identifiers: ClinVar variation 911516 (VCV000911516.7), dbSNP rs772171734, ClinGen allele CA4624694.

ClinVar aggregate classification (germline): Conflicting classifications of pathogenicity. Review status: criteria provided, conflicting classifications (1 of 4 stars). 4 submissions from 4 submitters: Uncertain significance (1); Likely benign (3). Last evaluated 2026-09-01.

Conditions:
RP1L1-related disorder. Also called: RP1L1-related condition.
Occult macular dystrophy (OCMD). Also called: OMD; OCCULT MACULAR DYSTROPHY, SUSCEPTIBILITY TO. Identifiers: Orphanet 247834, MedGen C3150833, MONDO:0013316, OMIM 613587, HP:0030636.

Allele frequency attached by ClinVar (database versions not stated): gnomAD 0.00002 and 0.00004; TOPMed 0.00002; gnomAD exomes 0.00008; ExAC 0.00009.
gnomAD v4.1: 119 of 1,613,054 alleles (0.0074%); highest among the groups gnomAD compares: Middle Eastern, 0.71%; 2 homozygotes.

Submissions (4):

CeGaT Center for Human Genetics Tuebingen
Classification: Likely benign. Last evaluated: 2026-09-01. Review status: criteria provided, single submitter. Criteria: CeGaT Center For Human Genetics Tuebingen Variant Classification Criteria Version 2. Collection method: clinical testing. Allele origin: germline. Affected: yes. Observed: 1 variant allele.
Comment: RP1L1: BP4, BP5

PreventionGenetics, part of Exact Sciences
Classification: Uncertain significance for RP1L1-related condition. Last evaluated: 2026-05-31. Review status: criteria provided, single submitter. Criteria: ACMG Guidelines, 2015. Collection method: clinical testing. Allele origin: germline.
Comment: The RP1L1 c.2814G>T variant is predicted to result in the amino acid substitution p.Glu938Asp. This variant has been reported in the heterozygous state in an individual with KCNV2-related retinopathy and a homozygous variant in KCNV2 (Kiray et al. 2020. PubMed ID: 32154435). This variant is reported in 0.0098% of alleles in individuals of South Asian descent in gnomAD. At this time, the clinical significance of this variant is uncertain due to the absence of conclusive functional and genetic evidence.

Blueprint Genetics
Classification: Likely benign. Last evaluated: 2024-11-04. Review status: criteria provided, single submitter. Criteria: ACMG Guidelines, 2015. Collection method: clinical testing. Allele origin: germline.

Illumina Laboratory Services, Illumina
Classification: Likely benign for Occult macular dystrophy. Last evaluated: 2018-01-13. Review status: criteria provided, single submitter. Criteria: ICSL Variant Classification Criteria 13 December 2019. Collection method: clinical testing. Allele origin: germline.
Comment: This variant was observed in the ICSL laboratory as part of a predisposition screen in an ostensibly healthy population. It had not been previously curated by ICSL or reported in the Human Gene Mutation Database (HGMD: prior to June 1st, 2018), and was therefore a candidate for classification through an automated scoring system. Utilizing variant allele frequency, disease prevalence and penetrance estimates, and inheritance mode, an automated score was calculated to assess if this variant is too frequent to cause the disease. Based on the score and internal cut-off values, a variant classified as likely benign is not then subjected to further curation. The score for this variant resulted in a classification of likely benign for this disease.